The following is an entry in ClinVar:

NM_001291746.2(REL):c.1148T>C (p.Val383Ala)

Gene: REL (REL proto-oncogene, NF-kB subunit; plus strand). Cytogenetic location: 2p16.1.
Variant type: single nucleotide variant.
Coding change: c.1148T>C on transcript NM_001291746.2 (MANE Select); coding-DNA position 1148, T replaced by C.
Protein change: p.Val383Ala; replaces valine 383 with alanine.
Molecular consequence: missense variant.
Genome position (GRCh38, 1-based): chr2:60,921,919, T>C. VCF-style: chr2-60921919-T-C. GRCh37 (hg19) VCF-style: chr2-61149054-T-C.
Other names: c.1244T>C, p.Val415Ala (NM_002908.4); short protein forms V383A, V415A.
Identifiers: ClinVar variation 2698567 (VCV002698567.3), dbSNP rs2466295256, ClinGen allele CA347044150.

ClinVar aggregate classification (germline): Uncertain significance (1 of 4 stars; one submission).

Submission:

Labcorp Genetics (formerly Invitae), Labcorp
Classification: Uncertain significance. Last evaluated: 2023-10-31. Review status: criteria provided, single submitter. Criteria: Invitae Variant Classification Sherloc (09022015). Collection method: clinical testing. Allele origin: germline.
Comment: This sequence change replaces valine, which is neutral and non-polar, with alanine, which is neutral and non-polar, at codon 415 of the REL protein (p.Val415Ala). This variant is not present in population databases (gnomAD no frequency). This variant has not been reported in the literature in individuals affected with REL-related conditions. Algorithms developed to predict the effect of missense changes on protein structure and function output the following: SIFT: "Not Available"; PolyPhen-2: "Benign"; Align-GVGD: "Not Available". The alanine amino acid residue is found in multiple mammalian species, which suggests that this missense change does not adversely affect protein function. In summary, the available evidence is currently insufficient to determine the role of this variant in disease. Therefore, it has been classified as a Variant of Uncertain Significance.